The following is an entry in ClinVar:

ClinVar aggregate classification (germline): Uncertain significance (1 of 4 stars; one submission).

gnomAD v4.1: 1 of 1,602,708 alleles (0.000062%); highest among the groups gnomAD compares: East Asian, 0.0022%; no homozygotes.

Submission:

GeneDx
Classification: Uncertain significance. Last evaluated: 2019-09-26. Review status: criteria provided, single submitter. Criteria: GeneDx Variant Classification Process June 2021. Collection method: clinical testing. Allele origin: germline. Affected: yes.
Comment: Has not been previously published as pathogenic or benign to our knowledge; Not observed in large population cohorts (Lek et al., 2016); In silico analysis, which includes protein predictors and evolutionary conservation, supports a deleterious effect

NM_053025.4(MYLK):c.3632C>T (p.Pro1211Leu)

Gene: MYLK (myosin light chain kinase; minus strand). Cytogenetic location: 3q21.1.
Variant type: single nucleotide variant.
Coding change: c.3632C>T on transcript NM_053025.4 (MANE Select); coding-DNA position 3632, C replaced by T.
Protein change: p.Pro1211Leu; replaces proline 1211 with leucine.
Molecular consequence: missense variant.
Genome position (GRCh38, 1-based): chr3:123,682,244, G>A on the plus strand (C>T on the coding strand, the complement: MYLK is on the minus strand). VCF-style: chr3-123682244-G-A. GRCh37 (hg19) VCF-style: chr3-123401091-G-A.
Other names: c.3104C>T, p.Pro1035Leu (NM_001321309.2); c.3425C>T, p.Pro1142Leu (NM_053026.4, NM_053028.4); c.3632C>T, p.Pro1211Leu (NM_053027.4); short protein forms P1035L, P1142L, P1211L.
Identifiers: ClinVar variation 1316426 (VCV001316426.2), dbSNP rs2108455726, ClinGen allele CA354233490.
Genomic context (GRCh38, chr3:123,682,244, plus strand): 5'-TGCCTCTGCCTCTGCCTGGTGAAGCTGGGCGAGTACTCACTCTCAGTTCCTAGCACGGGA[G>A]GAAGAGAGCTCTTGGGCCTCCGGGATTTCATCTCTGGGGCCTTGGTGTTCTCACTGGCTG-3'
Protein context (NP_444253.3, residues 1201-1221): MKSRRPKSSL[Pro1211Leu]PVLGTESDAT